The following is an entry in ClinVar:

ClinVar aggregate classification (germline): Uncertain significance (1 of 4 stars; one submission).

Conditions:
Juvenile polyposis syndrome (JPS). Identifiers: Orphanet 2929, MedGen C0345893, MONDO:0017380, OMIM 174900.

Allele frequency attached by ClinVar (database versions not stated): gnomAD exomes below 0.00001.
gnomAD v4.1: 1 of 1,614,204 alleles (0.000062%); highest among the groups gnomAD compares: Non-Finnish European, 0.000085%; no homozygotes.

Submission:

Labcorp Genetics (formerly Invitae), Labcorp
Classification: Uncertain significance for Juvenile polyposis syndrome. Last evaluated: 2021-08-28. Review status: criteria provided, single submitter. Criteria: Invitae Variant Classification Sherloc (09022015). Collection method: clinical testing. Allele origin: germline.
Comment: In summary, the available evidence is currently insufficient to determine the role of this variant in disease. Therefore, it has been classified as a Variant of Uncertain Significance. This sequence change replaces leucine with phenylalanine at codon 512 of the BMPR1A protein (p.Leu512Phe). The leucine residue is highly conserved and there is a small physicochemical difference between leucine and phenylalanine. This variant is not present in population databases (ExAC no frequency). This variant has not been reported in the literature in individuals affected with BMPR1A-related conditions. Algorithms developed to predict the effect of missense changes on protein structure and function are either unavailable or do not agree on the potential impact of this missense change (SIFT: "Tolerated"; PolyPhen-2: "Probably Damaging"; Align-GVGD: "Class C0").

NM_004329.3(BMPR1A):c.1534C>T (p.Leu512Phe)

Gene: BMPR1A (bone morphogenetic protein receptor type 1A; plus strand). Cytogenetic location: 10q23.2.
Variant type: single nucleotide variant.
Coding change: c.1534C>T on transcript NM_004329.3 (MANE Select); coding-DNA position 1534, C replaced by T.
Protein change: p.Leu512Phe; replaces leucine 512 with phenylalanine.
Molecular consequence: missense variant.
Genome position (GRCh38, 1-based): chr10:86,923,654, C>T. VCF-style: chr10-86923654-C-T. GRCh37 (hg19) VCF-style: chr10-88683411-C-T.
Other names: short protein forms L512F.
Identifiers: ClinVar variation 529953 (VCV000529953.8), dbSNP rs1554891661, ClinGen allele CA377463872.
Genomic context (GRCh38, chr10:86,923,654, plus strand): 5'-TGTCTACGAGCAGTTTTGAAGCTAATGTCAGAATGCTGGGCCCACAATCCAGCCTCCAGA[C>T]TCACAGCATTGAGAATTAAGAAGACGCTTGCCAAGATGGTTGAATCCCAAGATGTAAAAA-3'
Protein context (NP_004320.2, residues 502-522): ECWAHNPASR[Leu512Phe]TALRIKKTLA